The following is an entry in ClinVar:

ClinVar aggregate classification (germline): Uncertain significance (1 of 4 stars; one submission).

Conditions:
T-cell immunodeficiency, congenital alopecia, and nail dystrophy. Also called: Congenital alopecia and nail dystrophy associated with severe functional T-cell immunodeficiency; Pignata Guarino syndrome. Identifiers: Orphanet 169095, MedGen C1866426, MONDO:0011132, OMIM 601705.

Allele frequency attached by ClinVar (database versions not stated): ExAC 0.00001; gnomAD 0.00001; gnomAD exomes 0.00001; TOPMed 0.00003.
gnomAD v4.1: 17 of 1,612,808 alleles (0.0011%); highest among the groups gnomAD compares: East Asian, 0.013%; no homozygotes.

Submission:

Labcorp Genetics (formerly Invitae), Labcorp
Classification: Uncertain significance for T-cell immunodeficiency, congenital alopecia, and nail dystrophy. Last evaluated: 2024-11-05. Review status: criteria provided, single submitter. Criteria: Invitae Variant Classification Sherloc (09022015). Collection method: clinical testing. Allele origin: germline.
Comment: This sequence change replaces proline, which is neutral and non-polar, with leucine, which is neutral and non-polar, at codon 14 of the FOXN1 protein (p.Pro14Leu). This variant is present in population databases (rs760743167, gnomAD 0.004%). This variant has not been reported in the literature in individuals affected with FOXN1-related conditions. ClinVar contains an entry for this variant (Variation ID: 640324). An algorithm developed to predict the effect of missense changes on protein structure and function (PolyPhen-2) suggests that this variant is likely to be tolerated. In summary, the available evidence is currently insufficient to determine the role of this variant in disease. Therefore, it has been classified as a Variant of Uncertain Significance.

NM_001369369.1(FOXN1):c.41C>T (p.Pro14Leu)

Gene: FOXN1 (forkhead box N1; plus strand). Cytogenetic location: 17q11.2.
Variant type: single nucleotide variant.
Coding change: c.41C>T on transcript NM_001369369.1 (MANE Select); coding-DNA position 41, C replaced by T.
Protein change: p.Pro14Leu; replaces proline 14 with leucine.
Molecular consequence: missense variant.
Genome position (GRCh38, 1-based): chr17:28,524,010, C>T. VCF-style: chr17-28524010-C-T. GRCh37 (hg19) VCF-style: chr17-26851028-C-T.
Other names: c.41C>T, p.Pro14Leu (NM_003593.3); short protein forms P14L.
Identifiers: ClinVar variation 640324 (VCV000640324.5), dbSNP rs760743167, ClinGen allele CA8459122.
Genomic context (GRCh38, chr17:28,524,010, plus strand): 5'-TTTGAGGCCAGGACTGGGTGATGGTGTCGCTACCCCCGCCGCAGTCTGACGTCACGCTGC[C>T]GGGCCCCACCAGACTGGAGGGCGAGCGCCAAGGGGACCTCATGCAGGCACCGGGCCTCCC-3'
Protein context (NP_001356298.1, residues 4-24): LPPPQSDVTL[Pro14Leu]GPTRLEGERQ